The following is an entry in ClinVar:

ClinVar aggregate classification (germline): Pathogenic/Likely pathogenic. Review status: criteria provided, multiple submitters, no conflicts (2 of 4 stars). 4 submissions from 3 submitters: Pathogenic (1); Likely pathogenic (2). 1 of the submissions does not count toward it. Last evaluated 2021-07-15.

Conditions:
Sotos syndrome (SOTOS). Also called: Distinctive facial appearance, overgrowth in childhood, and learning disabilities or delayed development; CEREBRAL GIGANTISM; Sotos' syndrome; CHROMOSOME 5q35 DELETION SYNDROME; SOTOS SYNDROME 1. Identifiers: Orphanet 821, MedGen C0175695, MONDO:0019349, OMIM 117550.

Submissions (4):

Genome-Nilou Lab
Classification: Likely pathogenic for Sotos syndrome. Last evaluated: 2021-07-15. Review status: criteria provided, single submitter. Criteria: ACMG Guidelines, 2015. Collection method: clinical testing. Allele origin: germline. Affected: no.

Labcorp Genetics (formerly Invitae), Labcorp
Classification: Likely pathogenic. Last evaluated: 2018-08-28. Review status: criteria provided, single submitter. Criteria: Invitae Variant Classification Sherloc (09022015). Collection method: clinical testing. Allele origin: germline.
Comment: This sequence change replaces aspartic acid with glycine at codon 2119 of the NSD1 protein (p.Asp2119Gly). The aspartic acid residue is highly conserved and there is a moderate physicochemical difference between aspartic acid and glycine. This variant is not present in population databases (ExAC no frequency). Algorithms developed to predict the effect of missense changes on protein structure and function are either unavailable or do not agree on the potential impact of this missense change (SIFT: "Deleterious"; PolyPhen-2: "Probably Damaging"; Align-GVGD: "Class C0"). Algorithms developed to predict the effect of sequence changes on RNA splicing suggest that this variant may create or strengthen a splice site, but this prediction has not been confirmed by published transcriptional studies. In summary, the currently available evidence indicates that the variant is pathogenic, but additional data are needed to prove that conclusively. Therefore, this variant has been classified as Likely Pathogenic.

Genetic Services Laboratory, University of Chicago
Classification: Pathogenic for Sotos syndrome 1. Last evaluated: 2013-02-08. Review status: criteria provided, single submitter. Criteria: ACMG Guidelines, 2007. Collection method: clinical testing. Allele origin: germline. Inheritance: Autosomal dominant inheritance. Affected: yes.

Labcorp Genetics (formerly Invitae), Labcorp
Classification: Likely pathogenic. Last evaluated: 2021-08-31. Review status: flagged submission. Criteria: Invitae Variant Classification Sherloc (09022015). Collection method: clinical testing. Allele origin: germline. Not counted in ClinVar's aggregate classification.
Comment: This sequence change replaces aspartic acid with glycine at codon 2119 of the NSD1 protein (p.Asp2119Gly). The aspartic acid residue is highly conserved and there is a moderate physicochemical difference between aspartic acid and glycine. This variant is not present in population databases (ExAC no frequency). This missense change has been observed in individual(s) with clinical features of Sotos syndrome (PMID: 16247291, 22924495; Invitae). In at least one individual the variant was observed to be de novo. ClinVar contains an entry for this variant (Variation ID: 159413). Algorithms developed to predict the effect of missense changes on protein structure and function are either unavailable or do not agree on the potential impact of this missense change (SIFT: "Deleterious"; PolyPhen-2: "Probably Damaging"; Align-GVGD: "Class C0"). Algorithms developed to predict the effect of sequence changes on RNA splicing suggest that this variant may create or strengthen a splice site. In summary, the currently available evidence indicates that the variant is pathogenic, but additional data are needed to prove that conclusively. Therefore, this variant has been classified as Likely Pathogenic.
ClinVar note: Reason: This record appears to be redundant with a more recent record from the same submitter.
ClinVar note: Notes: SCV001576805 appears to be redundant with SCV000961349.

Literature cited by the submitters: PubMed 16247291 (cited by Labcorp Genetics (formerly Invitae), Labcorp); PubMed 22924495 (cited by Labcorp Genetics (formerly Invitae), Labcorp).

NM_022455.5(NSD1):c.6356A>G (p.Asp2119Gly)

Gene: NSD1 (nuclear receptor binding SET domain protein 1; plus strand). Cytogenetic location: 5q35.3.
Variant type: single nucleotide variant.
Coding change: c.6356A>G on transcript NM_022455.5 (MANE Select); coding-DNA position 6356, A replaced by G.
Protein change: p.Asp2119Gly; replaces aspartic acid 2119 with glycine.
Molecular consequence: missense variant.
Genome position (GRCh38, 1-based): chr5:177,292,051, A>G. VCF-style: chr5-177292051-A-G. GRCh37 (hg19) VCF-style: chr5-176719052-A-G.
Other names: c.5234A>G, p.Asp1745Gly (NM_001409309.1); c.5483A>G, p.Asp1828Gly (NM_172349.5, NM_001365684.2, NM_001409308.1); c.6356A>G, p.Asp2119Gly (NM_001409301.1, NM_001409302.1, NM_001409303.1); c.5936A>G, p.Asp1979Gly (NM_001409304.1); c.5603A>G, p.Asp1868Gly (NM_001409305.1); c.5594A>G, p.Asp1865Gly (NM_001409306.1, NM_001409307.1); short protein forms D2119G, D1850G, D1865G, D1828G, D1868G, D1979G, D1745G.
Identifiers: ClinVar variation 159413 (VCV000159413.16), dbSNP rs587784191, ClinGen allele CA295062.